The following is an entry in ClinVar:

NM_017721.5(CC2D1A):c.1048G>T (p.Glu350Ter)

Gene: CC2D1A (coiled-coil and C2 domain containing 1A; plus strand). Cytogenetic location: 19p13.12.
Variant type: single nucleotide variant.
Coding change: c.1048G>T on transcript NM_017721.5 (MANE Select); coding-DNA position 1048, G replaced by T.
Protein change: p.Glu350Ter; replaces glutamic acid 350 with a stop codon.
Molecular consequence: nonsense.
Genome position (GRCh38, 1-based): chr19:13,918,941, G>T. VCF-style: chr19-13918941-G-T. GRCh37 (hg19) VCF-style: chr19-14029754-G-T.
Other names: c.1048G>T, p.Glu350Ter (NM_001411138.1); short protein forms E350*.
Identifiers: ClinVar variation 2749373 (VCV002749373.3), dbSNP rs2513094170, ClinGen allele CA404382654.
Genomic context (GRCh38, chr19:13,918,941, plus strand): 5'-ACTCTTAACCTTGTCCCCCTGTCCGGCCCAGAGGTGCCCCCACCCCCGAGGACCCTGCTG[G>T]AGGCGCTGGAGCAGCGGATGGAGCGGTACCAGGTGGCCGCAGCCCAGGCCAAGAGCAAGG-3'

ClinVar aggregate classification (germline): Pathogenic (1 of 4 stars; one submission).

Submission:

Labcorp Genetics (formerly Invitae), Labcorp
Classification: Pathogenic. Last evaluated: 2024-03-03. Review status: criteria provided, single submitter. Criteria: Invitae Variant Classification Sherloc (09022015). Collection method: clinical testing. Allele origin: germline.
Comment: This sequence change creates a premature translational stop signal (p.Glu350*) in the CC2D1A gene. It is expected to result in an absent or disrupted protein product. Loss-of-function variants in CC2D1A are known to be pathogenic (PMID: 16033914). This variant is not present in population databases (gnomAD no frequency). This variant has not been reported in the literature in individuals affected with CC2D1A-related conditions. For these reasons, this variant has been classified as Pathogenic.

Literature cited by the submitters: PubMed 16033914.